The following is an entry in ClinVar:

ClinVar aggregate classification (germline): Uncertain significance. Review status: criteria provided, multiple submitters, no conflicts (2 of 4 stars). 3 submissions from 3 submitters: Uncertain significance (3). Last evaluated 2025-08-31.

Conditions:
Tumor predisposition syndrome 3 (TPDS3). Also called: Melanoma, cutaneous malignant, susceptibility to, 10; Glioma susceptibility 9; LONG TELOMERE SYNDROME, POT1-RELATED; POT1 Tumor Predisposition. Identifiers: Orphanet 618, MedGen C4014476, MONDO:0014368, OMIM 615848.
Hereditary cancer-predisposing syndrome. Also called: Tumor predisposition; Neoplastic Syndromes, Hereditary; Hereditary Cancer Syndrome; Hereditary neoplastic syndrome. Identifiers: Orphanet 140162, MedGen C0027672, MeSH D009386, MONDO:0015356.

gnomAD v4.1: 1 of 1,606,226 alleles (0.000062%); highest among the groups gnomAD compares: African/African-American, 0.0013%; no homozygotes.

Submissions (3):

Ambry Genetics
Classification: Uncertain significance for Hereditary cancer-predisposing syndrome. Last evaluated: 2025-08-31. Review status: criteria provided, single submitter. Criteria: Ambry Variant Classification Scheme 2023. Collection method: clinical testing. Allele origin: germline.
Comment: The p.V519F variant (also known as c.1555G>T), located in coding exon 12 of the POT1 gene, results from a G to T substitution at nucleotide position 1555. The valine at codon 519 is replaced by phenylalanine, an amino acid with highly similar properties. This amino acid position is not well conserved in available vertebrate species. In addition, this alteration is predicted to be tolerated by in silico analysis. Since supporting evidence is limited at this time, the clinical significance of this alteration remains unclear.

Labcorp Genetics (formerly Invitae), Labcorp
Classification: Uncertain significance for Tumor predisposition syndrome 3. Last evaluated: 2024-05-14. Review status: criteria provided, single submitter. Criteria: Invitae Variant Classification Sherloc (09022015). Collection method: clinical testing. Allele origin: germline.
Comment: This sequence change replaces valine, which is neutral and non-polar, with phenylalanine, which is neutral and non-polar, at codon 519 of the POT1 protein (p.Val519Phe). This variant is not present in population databases (gnomAD no frequency). This variant has not been reported in the literature in individuals affected with POT1-related conditions. ClinVar contains an entry for this variant (Variation ID: 651671). Advanced modeling of protein sequence and biophysical properties (such as structural, functional, and spatial information, amino acid conservation, physicochemical variation, residue mobility, and thermodynamic stability) performed at Invitae indicates that this missense variant is not expected to disrupt POT1 protein function with a negative predictive value of 80%. In summary, the available evidence is currently insufficient to determine the role of this variant in disease. Therefore, it has been classified as a Variant of Uncertain Significance.

GeneDx
Classification: Uncertain significance. Last evaluated: 2019-07-11. Review status: criteria provided, single submitter. Criteria: GeneDx Variant Classification Process June 2021. Collection method: clinical testing. Allele origin: germline. Affected: yes.
Comment: Not observed in large population cohorts (Lek 2016); In silico analysis, which includes protein predictors and evolutionary conservation, supports that this variant does not alter protein structure/function; Has not been previously published as pathogenic or benign to our knowledge

NM_015450.3(POT1):c.1555G>T (p.Val519Phe)

Gene: POT1 (protection of telomeres 1; minus strand). Cytogenetic location: 7q31.33.
Variant type: single nucleotide variant.
Coding change: c.1555G>T on transcript NM_015450.3 (MANE Select); coding-DNA position 1555, G replaced by T.
Protein change: p.Val519Phe; replaces valine 519 with phenylalanine.
Molecular consequence: missense variant. On other transcripts: non-coding transcript variant (2).
Genome position (GRCh38, 1-based): chr7:124,829,293, C>A on the plus strand (G>T on the coding strand, the complement: POT1 is on the minus strand). VCF-style: chr7-124829293-C-A. GRCh37 (hg19) VCF-style: chr7-124469347-C-A.
Other names: c.1162G>T, p.Val388Phe (NM_001042594.2); short protein forms V388F, V519F.
Identifiers: ClinVar variation 651671 (VCV000651671.13), dbSNP rs776873207, ClinGen allele CA369064471.